The following is an entry in ClinVar:

NM_001408.3(CELSR2):c.8648C>T (p.Pro2883Leu)

Gene: CELSR2 (cadherin EGF LAG seven-pass G-type receptor 2; plus strand). Cytogenetic location: 1p13.3.
Variant type: single nucleotide variant.
Coding change: c.8648C>T on transcript NM_001408.3 (MANE Select); coding-DNA position 8648, C replaced by T.
Protein change: p.Pro2883Leu; replaces proline 2883 with leucine.
Molecular consequence: missense variant.
Genome position (GRCh38, 1-based): chr1:109,273,574, C>T. VCF-style: chr1-109273574-C-T. GRCh37 (hg19) VCF-style: chr1-109816196-C-T.
Other names: short protein forms P2883L.
Identifiers: ClinVar variation 2589094 (VCV002589094.5), dbSNP rs201068214, ClinGen allele CA988657.

ClinVar aggregate classification (germline): Uncertain significance. Review status: criteria provided, multiple submitters, no conflicts (2 of 4 stars). 2 submissions from 2 submitters: Uncertain significance (2). Last evaluated 2025-08-26.

Allele frequency attached by ClinVar (database versions not stated): ExAC 0.00032; ESP Exome Variant Server 0.00040.
gnomAD v4.1: 535 of 1,563,702 alleles (0.034%); highest among the groups gnomAD compares: Non-Finnish European, 0.043%; no homozygotes.

Submissions (2):

Ambry Genetics
Classification: Uncertain significance. Last evaluated: 2025-08-26. Review status: criteria provided, single submitter. Criteria: Ambry Variant Classification Scheme 2023. Collection method: clinical testing. Allele origin: germline.

Labcorp Genetics (formerly Invitae), Labcorp
Classification: Uncertain significance. Last evaluated: 2024-12-19. Review status: criteria provided, single submitter. Criteria: Invitae Variant Classification Sherloc (09022015). Collection method: clinical testing. Allele origin: germline.
Comment: This sequence change replaces proline, which is neutral and non-polar, with leucine, which is neutral and non-polar, at codon 2883 of the CELSR2 protein (p.Pro2883Leu). This variant is present in population databases (rs201068214, gnomAD 0.05%). This variant has not been reported in the literature in individuals affected with CELSR2-related conditions. ClinVar contains an entry for this variant (Variation ID: 2589094). An algorithm developed to predict the effect of missense changes on protein structure and function (PolyPhen-2) suggests that this variant is likely to be tolerated. In summary, the available evidence is currently insufficient to determine the role of this variant in disease. Therefore, it has been classified as a Variant of Uncertain Significance.